The following is an entry in ClinVar:

NM_000135.4(FANCA):c.765A>C (p.Arg255Ser)

Gene: FANCA (FA complementation group A; minus strand). Cytogenetic location: 16q24.3.
Variant type: single nucleotide variant.
Coding change: c.765A>C on transcript NM_000135.4 (MANE Select); coding-DNA position 765, A replaced by C.
Protein change: p.Arg255Ser; replaces arginine 255 with serine.
Molecular consequence: missense variant.
Genome position (GRCh38, 1-based): chr16:89,803,286, T>G on the plus strand (A>C on the coding strand, the complement: FANCA is on the minus strand). VCF-style: chr16-89803286-T-G. GRCh37 (hg19) VCF-style: chr16-89869694-T-G.
Other names: c.765A>C, p.Arg255Ser (NM_001018112.3, NM_001286167.3); c.669A>C, p.Arg223Ser (NM_001351830.2); short protein forms R255S, R223S.
Identifiers: ClinVar variation 965923 (VCV000965923.10), dbSNP rs1025722534, ClinGen allele CA286605286.

ClinVar aggregate classification (germline): Uncertain significance. Review status: criteria provided, multiple submitters, no conflicts (2 of 4 stars). 4 submissions from 4 submitters: Uncertain significance (3). 1 of the submissions does not count toward it. Last evaluated 2025-01-10.

Conditions:
Inborn genetic diseases. Identifiers: MedGen C0950123, MeSH D030342.
Fanconi anemia (FA). Also called: Fanconi's anemia. Identifiers: Orphanet 84, MedGen C0015625, MeSH D005199, MONDO:0019391.
Fanconi anemia complementation group A (FANCA). Also called: Fanconi anemia, group A; FANCA-Related Fanconi Anemia. Identifiers: Orphanet 84, MedGen C3469521, MONDO:0009215, OMIM 227650.

Allele frequency attached by ClinVar (database versions not stated): TOPMed 0.00001.
gnomAD v4.1: 2 of 1,614,080 alleles (0.00012%); no homozygotes.

Submissions (4):

Ambry Genetics
Classification: Uncertain significance for Inborn genetic diseases. Last evaluated: 2025-01-10. Review status: criteria provided, single submitter. Criteria: Ambry Variant Classification Scheme 2023. Collection method: clinical testing. Allele origin: germline.
Comment: The p.R255S variant (also known as c.765A>C), located in coding exon 8 of the FANCA gene, results from an A to C substitution at nucleotide position 765. The arginine at codon 255 is replaced by serine, an amino acid with dissimilar properties. This amino acid position is conserved. In addition, this alteration is predicted to be tolerated by in silico analysis. Based on the available evidence, the clinical significance of this variant remains unclear.

Labcorp Genetics (formerly Invitae), Labcorp
Classification: Uncertain significance for Fanconi anemia. Last evaluated: 2024-02-26. Review status: criteria provided, single submitter. Criteria: Invitae Variant Classification Sherloc (09022015). Collection method: clinical testing. Allele origin: germline.
Comment: This sequence change replaces arginine, which is basic and polar, with serine, which is neutral and polar, at codon 255 of the FANCA protein (p.Arg255Ser). This variant is not present in population databases (gnomAD no frequency). This variant has not been reported in the literature in individuals affected with FANCA-related conditions. ClinVar contains an entry for this variant (Variation ID: 965923). Advanced modeling of protein sequence and biophysical properties (such as structural, functional, and spatial information, amino acid conservation, physicochemical variation, residue mobility, and thermodynamic stability) performed at Invitae indicates that this missense variant is not expected to disrupt FANCA protein function with a negative predictive value of 80%. In summary, the available evidence is currently insufficient to determine the role of this variant in disease. Therefore, it has been classified as a Variant of Uncertain Significance.

Fulgent Genetics
Classification: Uncertain significance for Fanconi anemia complementation group A. Last evaluated: 2023-12-29. Review status: criteria provided, single submitter. Criteria: ACMG Guidelines, 2015. Collection method: clinical testing. Allele origin: germline.

Natera, Inc.
Classification: Uncertain significance for Fanconi anemia. Last evaluated: 2020-06-17. Review status: no assertion criteria provided. Collection method: clinical testing. Allele origin: germline. Not counted in ClinVar's aggregate classification.